The following is an entry in ClinVar:

ClinVar aggregate classification (germline): Likely benign. Review status: criteria provided, single submitter (1 of 4 stars). 2 submissions from 2 submitters: Likely benign (1). 1 of the submissions does not count toward it. Last evaluated 2023-10-18.

Conditions:
Frontotemporal dementia (FTD1). Also called: FRONTOTEMPORAL DEMENTIA WITH PARKINSONISM; FRONTOTEMPORAL LOBE DEMENTIA; MULTIPLE SYSTEM TAUOPATHY WITH PRESENILE DEMENTIA; WILHELMSEN-LYNCH DISEASE; Dementia, frontotemporal, with or without parkinsonism; Frontotemporal Dementia with Parkinsonism-17 (FTDP-17). Identifiers: Orphanet 282, MedGen C0338451, MONDO:0017276, OMIM 600274, HP:0002145.
MAPT-related disorder. Also called: MAPT-Related Disorders; MAPT-related condition.

Allele frequency attached by ClinVar (database versions not stated): TOPMed 0.00001; ExAC 0.00002.
gnomAD v4.1: 20 of 1,612,694 alleles (0.0012%); highest among the groups gnomAD compares: Middle Eastern, 0.017%; no homozygotes.

Submissions (2):

Labcorp Genetics (formerly Invitae), Labcorp
Classification: Likely benign for Frontotemporal dementia. Last evaluated: 2023-10-18. Review status: criteria provided, single submitter. Criteria: Invitae Variant Classification Sherloc (09022015). Collection method: clinical testing. Allele origin: germline.

PreventionGenetics, part of Exact Sciences
Classification: Likely benign for MAPT-related condition. Last evaluated: 2024-06-02. Review status: no assertion criteria provided. Collection method: clinical testing. Allele origin: germline. Not counted in ClinVar's aggregate classification.
Comment: This variant is classified as likely benign based on ACMG/AMP sequence variant interpretation guidelines (Richards et al. 2015 PMID: 25741868, with internal and published modifications).

NM_001377265.1(MAPT):c.1794C>T (p.Pro598=)

Gene: MAPT (microtubule associated protein tau). Cytogenetic location: 17q21.31.
Variant type: single nucleotide variant.
Coding change: c.1794C>T on transcript NM_001377265.1 (MANE Select); coding-DNA position 1794, C replaced by T.
Protein change: p.Pro598=; no amino-acid change (proline 598 retained).
Molecular consequence: synonymous variant.
Genome position (GRCh38, 1-based): chr17:45,996,460, C>T. VCF-style: chr17-45996460-C-T. GRCh37 (hg19) VCF-style: chr17-44073826-C-T.
Other names: c.1623C>T, p.Pro541= (NM_001123066.4); c.531C>T, p.Pro177= (NM_001123067.4, NM_001203251.2, NM_001377267.1); c.618C>T, p.Pro206= (NM_001203252.2, NM_005910.6); c.1596C>T, p.Pro532= (NM_001377266.1); c.444C>T, p.Pro148= (NM_001377268.1, NM_016834.5, NM_016841.5); c.1569C>T, p.Pro523= (NM_016835.5); c.1623C>T (NM_001123066.3).
Identifiers: ClinVar variation 2713087 (VCV002713087.4), dbSNP rs747831502, ClinGen allele CA8618034.